The following is an entry in ClinVar:

NM_001267727.2(ARSG):c.281G>A (p.Gly94Asp)

Gene: ARSG (arylsulfatase G; plus strand). Cytogenetic location: 17q24.2.
Variant type: single nucleotide variant.
Coding change: c.281G>A on transcript NM_001267727.2 (MANE Select); coding-DNA position 281, G replaced by A.
Protein change: p.Gly94Asp; replaces glycine 94 with aspartic acid.
Molecular consequence: missense variant.
Genome position (GRCh38, 1-based): chr17:68,343,666, G>A. VCF-style: chr17-68343666-G-A. GRCh37 (hg19) VCF-style: chr17-66339807-G-A.
Other names: c.281G>A, p.Gly94Asp (NM_001352905.2, NM_001352906.2, NM_001352907.2 and 9 more transcripts); short protein forms G94D.
Identifiers: ClinVar variation 2008438 (VCV002008438.4), dbSNP rs2078374399, ClinGen allele CA400738244.

ClinVar aggregate classification (germline): Uncertain significance (1 of 4 stars; one submission).

Submission:

Labcorp Genetics (formerly Invitae), Labcorp
Classification: Uncertain significance. Last evaluated: 2022-06-22. Review status: criteria provided, single submitter. Criteria: Invitae Variant Classification Sherloc (09022015). Collection method: clinical testing. Allele origin: germline.
Comment: In summary, the available evidence is currently insufficient to determine the role of this variant in disease. Therefore, it has been classified as a Variant of Uncertain Significance. Algorithms developed to predict the effect of missense changes on protein structure and function are either unavailable or do not agree on the potential impact of this missense change (SIFT: "Deleterious"; PolyPhen-2: "Probably Damaging"; Align-GVGD: "Class C0"). This variant has not been reported in the literature in individuals affected with ARSG-related conditions. This variant is not present in population databases (gnomAD no frequency). This sequence change replaces glycine, which is neutral and non-polar, with aspartic acid, which is acidic and polar, at codon 94 of the ARSG protein (p.Gly94Asp).